The following is an entry in ClinVar:

NM_139058.3(ARX):c.43G>C (p.Glu15Gln)

Gene: ARX (aristaless related homeobox; minus strand). Cytogenetic location: Xp21.3.
Variant type: single nucleotide variant.
Coding change: c.43G>C on transcript NM_139058.3 (MANE Select); coding-DNA position 43, G replaced by C.
Protein change: p.Glu15Gln; replaces glutamic acid 15 with glutamine.
Molecular consequence: missense variant.
Genome position (GRCh38, 1-based): chrX:25,015,695, C>G on the plus strand (G>C on the coding strand, the complement: ARX is on the minus strand). VCF-style: chrX-25015695-C-G. GRCh37 (hg19) VCF-style: chrX-25033812-C-G.
Other names: short protein forms E15Q.
Identifiers: ClinVar variation 2942369 (VCV002942369.3), dbSNP rs2519109315, ClinGen allele CA412614026.

ClinVar aggregate classification (germline): Uncertain significance (1 of 4 stars; one submission).

Conditions:
Developmental and epileptic encephalopathy, 1 (DEE1). Also called: X-linked infantile spasms; West's syndrome; Tonic spasms with clustering, arrest of psychomotor development and hypsarrhythmia on EEG; X-Linked Infantile Spasm Syndrome; OHTAHARA SYNDROME, X-LINKED; INFANTILE SPASM SYNDROME, X-LINKED 1. Identifiers: MedGen C3463992, MONDO:0010632, OMIM 308350. Disease mechanism: loss of function.
Intellectual disability, X-linked, with or without seizures, ARX-related. Also called: Mental retardation, X-linked 52; MENTAL RETARDATION, X-LINKED 29; MENTAL RETARDATION, X-LINKED 32; MENTAL RETARDATION, X-LINKED 33; MENTAL RETARDATION, X-LINKED 38; MENTAL RETARDATION, X-LINKED 43. Identifiers: Orphanet 777, MedGen C0796244, MONDO:0010317, OMIM 300419.

Submission:

Labcorp Genetics (formerly Invitae), Labcorp
Classification: Uncertain significance for Developmental and epileptic encephalopathy, 1; Intellectual disability, X-linked, with or without seizures, ARX-related. Last evaluated: 2022-12-16. Review status: criteria provided, single submitter. Criteria: Invitae Variant Classification Sherloc (09022015). Collection method: clinical testing. Allele origin: germline.
Comment: This sequence change replaces glutamic acid, which is acidic and polar, with glutamine, which is neutral and polar, at codon 15 of the ARX protein (p.Glu15Gln). This variant is not present in population databases (gnomAD no frequency). This variant has not been reported in the literature in individuals affected with ARX-related conditions. Advanced modeling of protein sequence and biophysical properties (such as structural, functional, and spatial information, amino acid conservation, physicochemical variation, residue mobility, and thermodynamic stability) has been performed at Invitae for this missense variant, however the output from this modeling did not meet the statistical confidence thresholds required to predict the impact of this variant on ARX protein function. In summary, the available evidence is currently insufficient to determine the role of this variant in disease. Therefore, it has been classified as a Variant of Uncertain Significance.